The following is an entry in ClinVar:

NM_000318.3(PEX2):c.*2663T>A

Gene: PEX2 (peroxisomal biogenesis factor 2; minus strand). Cytogenetic location: 8q21.13.
Variant type: single nucleotide variant.
Coding change: c.*2663T>A on transcript NM_000318.3 (MANE Select); 2663 bases downstream of the stop codon, T replaced by A.
Molecular consequence: 3 prime UTR variant.
Genome position (GRCh38, 1-based): chr8:76,980,598, A>T on the plus strand (T>A on the coding strand, the complement: PEX2 is on the minus strand). VCF-style: chr8-76980598-A-T. GRCh37 (hg19) VCF-style: chr8-77892834-A-T.
Other names: c.*2663T>A (NM_001079867.2, NM_001172086.2, NM_001172087.2).
Identifiers: ClinVar variation 363772 (VCV000363772.6), dbSNP rs28435921, ClinGen allele CA10625828.

ClinVar aggregate classification (germline): Benign. Review status: criteria provided, multiple submitters, no conflicts (2 of 4 stars). 2 submissions from 2 submitters: Benign (2). Last evaluated 2018-01-12.

Conditions:
Peroxisome biogenesis disorder 5A (Zellweger) (PBD5A). Identifiers: Orphanet 912, MedGen C3553940, MONDO:0013932, OMIM 614866.

Allele frequency attached by ClinVar (database versions not stated): gnomAD exomes 0.43750; gnomAD 0.50526 and 0.51156; TOPMed 0.51321; 1000 Genomes Project 30x 0.51562; 1000 Genomes Project 0.51797.
gnomAD v4.1: 77,945 of 152,020 alleles (51%); highest among the groups gnomAD compares: Admixed American, 63%; 21,288 homozygotes.

Submissions (2):

Illumina Laboratory Services, Illumina
Classification: Benign for Peroxisome biogenesis disorder 5A (Zellweger). Last evaluated: 2018-01-12. Review status: criteria provided, single submitter. Criteria: ICSL Variant Classification Criteria 13 December 2019. Collection method: clinical testing. Allele origin: germline.
Comment: This variant was observed in the ICSL laboratory as part of a predisposition screen in an ostensibly healthy population. It had not been previously curated by ICSL or reported in the Human Gene Mutation Database (HGMD: prior to June 1st, 2018), and was therefore a candidate for classification through an automated scoring system. Utilizing variant allele frequency, disease prevalence and penetrance estimates, and inheritance mode, an automated score was calculated to assess if this variant is too frequent to cause the disease. Based on the score and internal cut-off values, a variant classified as benign is not then subjected to further curation. The score for this variant resulted in a classification of benign for this disease.

Breakthrough Genomics
Classification: Benign. Review status: criteria provided, single submitter. Criteria: ACMG Guidelines, 2015. Collection method: not provided. Allele origin: germline. Inheritance: Autosomal recessive inheritance. Affected: yes.